The following is an entry in ClinVar:

NM_017849.4(TMEM127):c.526A>G (p.Ser176Gly)

Gene: TMEM127 (transmembrane protein 127; minus strand). Cytogenetic location: 2q11.2.
Variant type: single nucleotide variant.
Coding change: c.526A>G on transcript NM_017849.4 (MANE Select); coding-DNA position 526, A replaced by G.
Protein change: p.Ser176Gly; replaces serine 176 with glycine.
Molecular consequence: missense variant.
Genome position (GRCh38, 1-based): chr2:96,253,999, T>C on the plus strand (A>G on the coding strand, the complement: TMEM127 is on the minus strand). VCF-style: chr2-96253999-T-C. GRCh37 (hg19) VCF-style: chr2-96919737-T-C.
Other names: c.526A>G, p.Ser176Gly (NM_001193304.3); short protein forms S176G.
Identifiers: ClinVar variation 486548 (VCV000486548.17), dbSNP rs1553436876, ClinGen allele CA347652535.

ClinVar aggregate classification (germline): Uncertain significance. Review status: criteria provided, multiple submitters, no conflicts (2 of 4 stars). 4 submissions from 4 submitters: Uncertain significance (4). Last evaluated 2025-11-26.

Conditions:
Hereditary cancer-predisposing syndrome. Also called: Neoplastic Syndromes, Hereditary; Hereditary neoplastic syndrome; Tumor predisposition; Hereditary Cancer Syndrome. Identifiers: Orphanet 140162, MedGen C0027672, MeSH D009386, MONDO:0015356.
Hereditary pheochromocytoma and paraganglioma. Also called: Hereditary Paraganglioma-Pheochromocytoma Syndromes; Hereditary paragangliomas and pheochromocytomas; Hereditary pheochromocytoma-paraganglioma. Identifiers: Orphanet 29072, MedGen C4274332, MONDO:0017366.
Pheochromocytoma. Also called: MAX-Related Hereditary Paraganglioma-Pheochromocytoma Syndrome. Identifiers: Orphanet 29072, MedGen C0031511, MONDO:0008233, OMIM 171300, HP:0002666.

Submissions (4):

Ambry Genetics
Classification: Uncertain significance for Hereditary cancer-predisposing syndrome. Last evaluated: 2025-11-26. Review status: criteria provided, single submitter. Criteria: Ambry Variant Classification Scheme 2023. Collection method: clinical testing. Allele origin: germline.
Comment: The p.S176G variant (also known as c.526A>G), located in coding exon 3 of the TMEM127 gene, results from an A to G substitution at nucleotide position 526. The serine at codon 176 is replaced by glycine, an amino acid with similar properties. This amino acid position is highly conserved in available vertebrate species. In addition, this alteration is predicted to be deleterious by in silico analysis. Since supporting evidence is limited at this time, the clinical significance of this alteration remains unclear.

Labcorp Genetics (formerly Invitae), Labcorp
Classification: Uncertain significance for Hereditary pheochromocytoma and paraganglioma. Last evaluated: 2023-11-20. Review status: criteria provided, single submitter. Criteria: Invitae Variant Classification Sherloc (09022015). Collection method: clinical testing. Allele origin: germline.
Comment: This sequence change replaces serine, which is neutral and polar, with glycine, which is neutral and non-polar, at codon 176 of the TMEM127 protein (p.Ser176Gly). This variant is not present in population databases (gnomAD no frequency). This variant has not been reported in the literature in individuals affected with TMEM127-related conditions. ClinVar contains an entry for this variant (Variation ID: 486548). An algorithm developed to predict the effect of missense changes on protein structure and function (PolyPhen-2) suggests that this variant is likely to be tolerated. In summary, the available evidence is currently insufficient to determine the role of this variant in disease. Therefore, it has been classified as a Variant of Uncertain Significance.

Baylor Genetics
Classification: Uncertain significance for Pheochromocytoma. Last evaluated: 2023-08-12. Review status: criteria provided, single submitter. Criteria: ACMG Guidelines, 2015. Collection method: clinical testing. Allele origin: unknown.

St. Jude Molecular Pathology, St. Jude Children's Research Hospital
Classification: Uncertain significance for Pheochromocytoma. Last evaluated: 2022-07-03. Review status: criteria provided, single submitter. Criteria: St. Jude Assertion Criteria 2020. Collection method: clinical testing. Allele origin: germline.
Comment: The TMEM127 c.526A>G (p.Ser176Gly) missense change is absent in gnomAD v2.1.1. The in silico tool REVEL is inconclusive about a pathogenic or benign effect of this variant on protein function, and to our knowledge functional studies have not been performed. To our knowledge, this variant has not been reported in the literature in individuals with paraganglioma or pheochromocytoma. In summary, the evidence currently available is insufficient to determine the clinical significance of this variant. It has therefore been classified as of uncertain significance.